The following is an entry in ClinVar:

NM_002972.4(SBF1):c.3826G>A (p.Val1276Ile)

Gene: SBF1 (SET binding factor 1; minus strand). Cytogenetic location: 22q13.33.
Variant type: single nucleotide variant.
Coding change: c.3826G>A on transcript NM_002972.4 (MANE Select); coding-DNA position 3826, G replaced by A.
Protein change: p.Val1276Ile; replaces valine 1276 with isoleucine.
Molecular consequence: missense variant.
Genome position (GRCh38, 1-based): chr22:50,459,255, C>T on the plus strand (G>A on the coding strand, the complement: SBF1 is on the minus strand). VCF-style: chr22-50459255-C-T. GRCh37 (hg19) VCF-style: chr22-50897684-C-T.
Other names: c.3829G>A, p.Gly1277Ser (NM_001365819.1); c.3829G>A, p.Val1277Ile (NM_001410794.1); c.3826G>A, p.Gly1276Ser (NM_001410795.1); c.3826G>A, p.Val1276Ile (NM_197971.1); short protein forms G1276S, G1277S, V1276I, V1277I.
Identifiers: ClinVar variation 1975218 (VCV001975218.2), dbSNP rs773106303, ClinGen allele CA10316550.
Genomic context (GRCh38, chr22:50,459,255, plus strand): 5'-AATGCCACCACGGCCCCCCAAAGTGCCCCTGCCCCACCGTCTGCCCACAAGCACCCTCAC[C>T]GTGACTGCCCATGTGGGCTGAGGAGAAGCCGCTAAGCGTGTTGCGTCCCGACGCGTCGGC-3'
Protein context (NP_002963.2, residues 1266-1286): GFSSAHMGSH[Val1276Ile]PSPRARVTTL

ClinVar aggregate classification (germline): Uncertain significance (1 of 4 stars; one submission).

Allele frequency attached by ClinVar (database versions not stated): gnomAD exomes below 0.00001; ExAC 0.00001; gnomAD 0.00002; TOPMed 0.00002.
gnomAD v4.1: 6 of 1,597,532 alleles (0.00038%); highest among the groups gnomAD compares: East Asian, 0.0045%; no homozygotes.

Submission:

Labcorp Genetics (formerly Invitae), Labcorp
Classification: Uncertain significance. Last evaluated: 2021-12-12. Review status: criteria provided, single submitter. Criteria: Invitae Variant Classification Sherloc (09022015). Collection method: clinical testing. Allele origin: germline.
Comment: This sequence change replaces valine, which is neutral and non-polar, with isoleucine, which is neutral and non-polar, at codon 1276 of the SBF1 protein (p.Val1276Ile). This variant also falls at the last nucleotide of exon 28, which is part of the consensus splice site for this exon. This variant is present in population databases (rs773106303, gnomAD 0.01%). This variant has not been reported in the literature in individuals affected with SBF1-related conditions. Algorithms developed to predict the effect of missense changes on protein structure and function (SIFT, PolyPhen-2, Align-GVGD) all suggest that this variant is likely to be tolerated. Variants that disrupt the consensus splice site are a relatively common cause of aberrant splicing (PMID: 17576681, 9536098). Algorithms developed to predict the effect of sequence changes on RNA splicing suggest that this variant may disrupt the consensus splice site. In summary, the available evidence is currently insufficient to determine the role of this variant in disease. Therefore, it has been classified as a Variant of Uncertain Significance.

Literature cited by the submitters: PubMed 17576681; PubMed 9536098.